The following is an entry in ClinVar:

ClinVar aggregate classification (germline): Likely benign (1 of 4 stars; one submission).

Allele frequency attached by ClinVar (database versions not stated): gnomAD exomes below 0.00001.
gnomAD v4.1: 1 of 1,191,190 alleles (0.000084%); highest among the groups gnomAD compares: Non-Finnish European, 0.00011%; no homozygotes.

Submission:

GeneDx
Classification: Likely benign. Last evaluated: 2016-12-08. Review status: criteria provided, single submitter. Criteria: GeneDx Variant Classification (06012015). Collection method: clinical testing. Allele origin: germline. Affected: yes.
Comment: This variant is considered likely benign or benign based on one or more of the following criteria: it is a conservative change, it occurs at a poorly conserved position in the protein, it is predicted to be benign by multiple in silico algorithms, and/or has population frequency not consistent with disease.

NM_001110556.2(FLNA):c.-36C>T

Gene: FLNA (filamin A; minus strand). Cytogenetic location: Xq28.
Variant type: single nucleotide variant.
Coding change: c.-36C>T on transcript NM_001110556.2 (MANE Select); 36 bases upstream of the start codon, C replaced by T.
Molecular consequence: 5 prime UTR variant.
Genome position (GRCh38, 1-based): chrX:154,371,281, G>A on the plus strand (C>T on the coding strand, the complement: FLNA is on the minus strand). VCF-style: chrX-154371281-G-A. GRCh37 (hg19) VCF-style: chrX-153599649-G-A.
Other names: c.-36C>T (NM_001456.4).
Identifiers: ClinVar variation 391419 (VCV000391419.1), dbSNP rs1057524075, ClinGen allele CA16608344.
Genomic context (GRCh38, chrX:154,371,281, plus strand): 5'-CCGCCCGAGAGTGGGAGCTACTCATTTTGAGGCGCGAGAAGCCGGGGGGGCGGTGCTGCA[G>A]CCTCGGCGAGGGGACGGCCCTTTAATTAAAGTCGCAGGCACCTAGGCGCGCGGGAGGCGA-3'